The following is an entry in ClinVar:

NM_001105206.3(LAMA4):c.1303C>T (p.Pro435Ser)

Gene: LAMA4 (laminin subunit alpha 4; minus strand). Cytogenetic location: 6q21.
Variant type: single nucleotide variant.
Coding change: c.1303C>T on transcript NM_001105206.3 (MANE Select); coding-DNA position 1303, C replaced by T.
Protein change: p.Pro435Ser; replaces proline 435 with serine.
Molecular consequence: missense variant.
Genome position (GRCh38, 1-based): chr6:112,175,367, G>A on the plus strand (C>T on the coding strand, the complement: LAMA4 is on the minus strand). VCF-style: chr6-112175367-G-A. GRCh37 (hg19) VCF-style: chr6-112496569-G-A.
Other names: c.1282C>T, p.Pro428Ser (NM_001105207.3, NM_002290.5); short protein forms P435S, P428S.
Identifiers: ClinVar variation 4045960 (VCV004045960.1).

ClinVar aggregate classification (germline): Uncertain significance (1 of 4 stars; one submission).

Conditions:
Cardiovascular phenotype. Identifiers: MedGen CN230736.

gnomAD v4.1: 1 of 1,614,190 alleles (0.000062%); no homozygotes.

Submission:

Ambry Genetics
Classification: Uncertain significance for Cardiovascular phenotype. Last evaluated: 2025-05-27. Review status: criteria provided, single submitter. Criteria: Ambry Variant Classification Scheme 2023. Collection method: clinical testing. Allele origin: germline.
Comment: The p.P428S variant (also known as c.1282C>T), located in coding exon 10 of the LAMA4 gene, results from a C to T substitution at nucleotide position 1282. The proline at codon 428 is replaced by serine, an amino acid with similar properties. This amino acid position is conserved. In addition, this alteration is predicted to be tolerated by in silico analysis. Based on the available evidence, the clinical significance of this variant remains unclear.